The following is an entry in ClinVar:

NM_000481.4(AMT):c.-76G>C

Genes: AMT (aminomethyltransferase; minus strand), NICN1 (nicolin 1, tubulin polyglutamylase complex subunit; minus strand). Cytogenetic location: 3p21.31.
Variant type: single nucleotide variant.
Coding change: c.-76G>C on transcript NM_000481.4 (MANE Select); 76 bases upstream of the start codon, G replaced by C.
Molecular consequence: 3 prime UTR variant (on NM_032316.3).
Genome position (GRCh38, 1-based): chr3:49,422,526, C>G on the plus strand (G>C on the coding strand, the complement: AMT is on the minus strand). VCF-style: chr3-49422526-C-G. GRCh37 (hg19) VCF-style: chr3-49459959-C-G.
Other names: c.*2307G>C (NM_032316.3).
Identifiers: ClinVar variation 346039 (VCV000346039.18), dbSNP rs544461335, ClinGen allele CA2398538.

ClinVar aggregate classification (germline): Benign/Likely benign. Review status: criteria provided, multiple submitters, no conflicts (2 of 4 stars). 5 submissions from 5 submitters: Benign (1); Likely benign (2). 2 of the submissions do not count toward it. Last evaluated 2025-01-13.

Conditions:
Glycine encephalopathy 1 (GCE1). Identifiers: MedGen CN376801, MONDO:0958179, OMIM 605899.
Inborn genetic diseases. Identifiers: MedGen C0950123, MeSH D030342.
Glycine encephalopathy. Also called: Nonketotic hyperglycinemia; Non-ketotic hyperglycinemia. Identifiers: Orphanet 407, MedGen C0751748, MONDO:0011612, HP:0008288.

Allele frequency attached by ClinVar (database versions not stated): 1000 Genomes Project 30x 0.00016; 1000 Genomes Project 0.00020; TOPMed 0.00088; gnomAD 0.00092 and 0.00097; gnomAD exomes 0.00096; ExAC 0.00183.
gnomAD v4.1: 2,116 of 1,455,672 alleles (0.15%); highest among the groups gnomAD compares: Non-Finnish European, 0.19%; 2 homozygotes.

Submissions (5):

Labcorp Genetics (formerly Invitae), Labcorp
Classification: Benign for Glycine encephalopathy. Last evaluated: 2025-01-13. Review status: criteria provided, single submitter. Criteria: Invitae Variant Classification Sherloc (09022015). Collection method: clinical testing. Allele origin: germline.

Ambry Genetics
Classification: Likely benign for Inborn genetic diseases. Last evaluated: 2024-11-20. Review status: criteria provided, single submitter. Criteria: Ambry Variant Classification Scheme 2023. Collection method: clinical testing. Allele origin: germline.

Illumina Laboratory Services, Illumina
Classification: Likely benign for Glycine encephalopathy 1. Last evaluated: 2018-01-12. Review status: criteria provided, single submitter. Criteria: ICSL Variant Classification Criteria 13 December 2019. Collection method: clinical testing. Allele origin: germline.
Comment: This variant was observed in the ICSL laboratory as part of a predisposition screen in an ostensibly healthy population. It had not been previously curated by ICSL or reported in the Human Gene Mutation Database (HGMD: prior to June 1st, 2018), and was therefore a candidate for classification through an automated scoring system. Utilizing variant allele frequency, disease prevalence and penetrance estimates, and inheritance mode, an automated score was calculated to assess if this variant is too frequent to cause the disease. Based on the score and internal cut-off values, a variant classified as likely benign is not then subjected to further curation. The score for this variant resulted in a classification of likely benign for this disease.

Natera, Inc.
Classification: Likely benign for Non-ketotic hyperglycinemia. Last evaluated: 2019-10-23. Review status: no assertion criteria provided. Collection method: clinical testing. Allele origin: germline. Not counted in ClinVar's aggregate classification.

Counsyl
Classification: Uncertain significance for Glycine encephalopathy 1. Last evaluated: 2017-09-26. Review status: no assertion criteria provided. Collection method: clinical testing. Allele origin: unknown. Not counted in ClinVar's aggregate classification.

Literature cited by the submitters: PubMed 27620832 (cited by Counsyl).